The following is an entry in ClinVar:

ClinVar aggregate classification (germline): Uncertain significance (1 of 4 stars; one submission).

Allele frequency attached by ClinVar (database versions not stated): gnomAD exomes below 0.00001 and 0.00001; TOPMed below 0.00001.
gnomAD v4.1: 12 of 1,612,276 alleles (0.00074%); highest among the groups gnomAD compares: Non-Finnish European, 0.001%; no homozygotes.

Submission:

Labcorp Genetics (formerly Invitae), Labcorp
Classification: Uncertain significance. Last evaluated: 2022-10-17. Review status: criteria provided, single submitter. Criteria: Invitae Variant Classification Sherloc (09022015). Collection method: clinical testing. Allele origin: germline.
Comment: In summary, the available evidence is currently insufficient to determine the role of this variant in disease. Therefore, it has been classified as a Variant of Uncertain Significance. Experimental studies and prediction algorithms are not available or were not evaluated, and the functional significance of this variant is currently unknown. ClinVar contains an entry for this variant (Variation ID: 1501878). This variant has not been reported in the literature in individuals affected with ARMC9-related conditions. This variant is not present in population databases (gnomAD no frequency). This sequence change replaces glutamic acid with glycine at codon 165 of the ARMC9 protein (p.Glu165Gly). The glutamic acid residue is moderately conserved and there is a moderate physicochemical difference between glutamic acid and glycine.

NM_001352754.2(ARMC9):c.494A>G (p.Glu165Gly)

Gene: ARMC9 (armadillo repeat containing 9; plus strand). Cytogenetic location: 2q37.1.
Variant type: single nucleotide variant.
Coding change: c.494A>G on transcript NM_001352754.2 (MANE Select); coding-DNA position 494, A replaced by G.
Protein change: p.Glu165Gly; replaces glutamic acid 165 with glycine.
Molecular consequence: missense variant. On other transcripts: non-coding transcript variant (1).
Genome position (GRCh38, 1-based): chr2:231,216,783, A>G. VCF-style: chr2-231216783-A-G. GRCh37 (hg19) VCF-style: chr2-232081496-A-G.
Other names: c.494A>G, p.Glu165Gly (NM_001271466.4, NM_001291656.2, NM_001352755.2 and 5 more transcripts); short protein forms E165G.
Identifiers: ClinVar variation 1501878 (VCV001501878.6), dbSNP rs1455055967, ClinGen allele CA350947384.